The following is an entry in ClinVar:

ClinVar aggregate classification (germline): Uncertain significance. Review status: criteria provided, multiple submitters, no conflicts (2 of 4 stars). 5 submissions from 5 submitters: Uncertain significance (4). 1 of the submissions does not count toward it. Last evaluated 2026-07-14.

Conditions:
Retinitis pigmentosa 74 (RP74). Identifiers: Orphanet 791, MedGen C4225281, MONDO:0014692, OMIM 616562.
Bardet-Biedl syndrome 2 (BBS2). Identifiers: Orphanet 110, MedGen C2936863, MONDO:0014432, OMIM 615981.
Bardet-Biedl syndrome (BBS). Identifiers: Orphanet 110, MedGen C0752166, MONDO:0015229.
BBS2-related disorder. Also called: BBS2-related disorders; BBS2-related condition. Identifiers: MedGen CN239228.

Allele frequency attached by ClinVar (database versions not stated): gnomAD 0.00001; TOPMed 0.00001; ExAC 0.00002; gnomAD exomes 0.00002.
gnomAD v4.1: 24 of 1,613,694 alleles (0.0015%); highest among the groups gnomAD compares: Middle Eastern, 0.016%; no homozygotes.

Submissions (5):

PreventionGenetics, part of Exact Sciences
Classification: Uncertain significance for BBS2-related condition. Last evaluated: 2026-07-14. Review status: criteria provided, single submitter. Criteria: ACMG Guidelines, 2015. Collection method: clinical testing. Allele origin: germline.
Comment: The BBS2 c.1891G>A variant is predicted to result in the amino acid substitution p.Ala631Thr. This variant was reported as a single heterozygous variant allele in an individual with Bardet-Biedl syndrome (Janssen et al 2011. PubMed ID: 21052717). This variant is reported in 0.0062% of alleles in individuals of European (Non-Finnish) descent in gnomAD. At this time, the clinical significance of this variant is uncertain due to the absence of conclusive functional and genetic evidence.

Blueprint Genetics
Classification: Uncertain significance. Last evaluated: 2024-09-20. Review status: criteria provided, single submitter. Criteria: ACMG Guidelines, 2015. Collection method: clinical testing. Allele origin: germline.

Labcorp Genetics (formerly Invitae), Labcorp
Classification: Uncertain significance for Bardet-Biedl syndrome. Last evaluated: 2022-04-06. Review status: criteria provided, single submitter. Criteria: Invitae Variant Classification Sherloc (09022015). Collection method: clinical testing. Allele origin: germline.
Comment: This sequence change replaces alanine, which is neutral and non-polar, with threonine, which is neutral and polar, at codon 631 of the BBS2 protein (p.Ala631Thr). This variant is present in population databases (rs771822557, gnomAD 0.006%). This missense change has been observed in individual(s) with Bardet-Biedl syndrome (PMID: 21052717). ClinVar contains an entry for this variant (Variation ID: 550939). Algorithms developed to predict the effect of missense changes on protein structure and function are either unavailable or do not agree on the potential impact of this missense change (SIFT: "Deleterious"; PolyPhen-2: "Probably Damaging"; Align-GVGD: "Class C0"). In summary, the available evidence is currently insufficient to determine the role of this variant in disease. Therefore, it has been classified as a Variant of Uncertain Significance.

Fulgent Genetics
Classification: Uncertain significance for Bardet-Biedl syndrome 2; Retinitis pigmentosa 74. Last evaluated: 2022-02-09. Review status: criteria provided, single submitter. Criteria: ACMG Guidelines, 2015. Collection method: clinical testing. Allele origin: unknown.

Counsyl
Classification: Uncertain significance for Bardet-Biedl syndrome 2. Last evaluated: 2017-03-15. Review status: no assertion criteria provided. Collection method: clinical testing. Allele origin: unknown. Not counted in ClinVar's aggregate classification.

Literature cited by the submitters: PubMed 21052717 (cited by Labcorp Genetics (formerly Invitae), Labcorp and Counsyl).

NM_031885.5(BBS2):c.1891G>A (p.Ala631Thr)

Gene: BBS2 (Bardet-Biedl syndrome 2; minus strand). Cytogenetic location: 16q13.
Variant type: single nucleotide variant.
Coding change: c.1891G>A on transcript NM_031885.5 (MANE Select); coding-DNA position 1891, G replaced by A.
Protein change: p.Ala631Thr; replaces alanine 631 with threonine.
Molecular consequence: missense variant. On other transcripts: non-coding transcript variant (5).
Genome position (GRCh38, 1-based): chr16:56,496,986, C>T on the plus strand (G>A on the coding strand, the complement: BBS2 is on the minus strand). VCF-style: chr16-56496986-C-T. GRCh37 (hg19) VCF-style: chr16-56530898-C-T.
Other names: c.1891G>A, p.Ala631Thr (NM_001377456.1); short protein forms A631T.
Identifiers: ClinVar variation 550939 (VCV000550939.9), dbSNP rs771822557, ClinGen allele CA8065598.